The following is an entry in ClinVar:

ClinVar aggregate classification (germline): Uncertain significance. Review status: criteria provided, multiple submitters, no conflicts (2 of 4 stars). 2 submissions from 2 submitters: Uncertain significance (2). Last evaluated 2025-06-23.

Conditions:
Inborn genetic diseases. Identifiers: MedGen C0950123, MeSH D030342.

gnomAD v4.1: 3 of 1,614,198 alleles (0.00019%); highest among the groups gnomAD compares: African/African-American, 0.0013%; no homozygotes.

Submissions (2):

Ambry Genetics
Classification: Uncertain significance for Inborn genetic diseases. Last evaluated: 2025-06-23. Review status: criteria provided, single submitter. Criteria: Ambry Variant Classification Scheme 2023. Collection method: clinical testing. Allele origin: germline.

GeneDx
Classification: Uncertain significance. Last evaluated: 2024-07-21. Review status: criteria provided, single submitter. Criteria: GeneDx Variant Classification Process June 2021. Collection method: clinical testing. Allele origin: germline. Affected: yes.
Comment: Not observed at significant frequency in large population cohorts (gnomAD); In silico analysis indicates that this missense variant does not alter protein structure/function; Has not been previously published as pathogenic or benign to our knowledge

NM_004667.6(HERC2):c.790G>A (p.Val264Ile)

Gene: HERC2 (HECT and RLD domain containing E3 ubiquitin protein ligase 2; minus strand). Cytogenetic location: 15q13.1.
Variant type: single nucleotide variant.
Coding change: c.790G>A on transcript NM_004667.6 (MANE Select); coding-DNA position 790, G replaced by A.
Protein change: p.Val264Ile; replaces valine 264 with isoleucine.
Molecular consequence: missense variant.
Genome position (GRCh38, 1-based): chr15:28,274,301, C>T on the plus strand (G>A on the coding strand, the complement: HERC2 is on the minus strand). VCF-style: chr15-28274301-C-T. GRCh37 (hg19) VCF-style: chr15-28519447-C-T.
Other names: c.790G>A (NM_004667.4); short protein forms V264I.
Identifiers: ClinVar variation 3600795 (VCV003600795.2).